The following is an entry in ClinVar:

ClinVar aggregate classification (germline): Conflicting classifications of pathogenicity. Review status: criteria provided, conflicting classifications (1 of 4 stars). 5 submissions from 5 submitters: Uncertain significance (4); Likely benign (1). Last evaluated 2025-11-18.

Conditions:
Cardiovascular phenotype. Identifiers: MedGen CN230736.
Familial isolated arrhythmogenic right ventricular dysplasia. Identifiers: Orphanet 217656, MedGen C4274968, MONDO:0016342.
Arrhythmogenic right ventricular dysplasia 11. Also called: Arrhythmogenic right ventricular dysplasia 11 with mild palmoplantar keratoderma and woolly hair; Arrhythmogenic Right Ventricular Dysplasia/Cardiomyopathy11; ARRHYTHMOGENIC RIGHT VENTRICULAR DYSPLASIA, FAMILIAL, 11. Identifiers: MedGen C1864850, MONDO:0012506, OMIM 610476.
Cardiomyopathy (CMYO). Also called: Cardiomyopathies. Identifiers: Orphanet 167848, MedGen C0878544, MONDO:0004994, HP:0001638. Inheritance: Various modes of inheritance.

Allele frequency attached by ClinVar (database versions not stated): gnomAD exomes below 0.00001.
gnomAD v4.1: 4 of 1,614,026 alleles (0.00025%); highest among the groups gnomAD compares: East Asian, 0.0022%; no homozygotes.

Submissions (5):

Labcorp Genetics (formerly Invitae), Labcorp
Classification: Uncertain significance for Arrhythmogenic right ventricular dysplasia 11. Last evaluated: 2025-11-18. Review status: criteria provided, single submitter. Criteria: Invitae Variant Classification Sherloc (09022015). Collection method: clinical testing. Allele origin: germline.
Comment: This sequence change replaces histidine, which is basic and polar, with arginine, which is basic and polar, at codon 124 of the DSC2 protein (p.His124Arg). This variant is not present in population databases (gnomAD no frequency). This variant has not been reported in the literature in individuals affected with DSC2-related conditions. ClinVar contains an entry for this variant (Variation ID: 199754). Invitae Evidence Modeling of protein sequence and biophysical properties (such as structural, functional, and spatial information, amino acid conservation, physicochemical variation, residue mobility, and thermodynamic stability) indicates that this missense variant is not expected to disrupt DSC2 protein function with a negative predictive value of 80%. In summary, the available evidence is currently insufficient to determine the role of this variant in disease. Therefore, it has been classified as a Variant of Uncertain Significance.

All of Us Research Program, National Institutes of Health
Classification: Uncertain significance for Familial isolated arrhythmogenic right ventricular dysplasia. Last evaluated: 2024-07-15. Review status: criteria provided, single submitter. Criteria: ACMG Guidelines, 2015. Collection method: clinical testing. Allele origin: germline. Inheritance: Autosomal dominant inheritance. Observed: 1 variant allele, 1 heterozygote.
Comment: This missense variant replaces histidine with arginine at codon 124 of the DSC2 protein. Computational prediction suggests that this variant may not impact protein structure and function (internally defined REVEL score threshold <= 0.5, PMID: 27666373). Splice site prediction tools suggest that this variant may not impact RNA splicing. To our knowledge, functional studies have not been performed for this variant. This variant has not been reported in individuals affected with cardiovascular disorders in the literature. This variant has not been identified in the general population by the Genome Aggregation Database (gnomAD). The available evidence is insufficient to determine the role of this variant in disease conclusively. Therefore, this variant is classified as a Variant of Uncertain Significance.

This study involves interpretation of variants in research participants for the purpose of population health screening. Participant phenotype was not available at the time of variant classification. Additional details can be found in publication PMID: 35346344, PMCID: PMC8962531

Color Diagnostics, LLC DBA Color Health
Classification: Uncertain significance for Cardiomyopathy. Last evaluated: 2024-03-06. Review status: criteria provided, single submitter. Criteria: ACMG Guidelines, 2015. Collection method: clinical testing. Allele origin: germline.
Comment: This missense variant replaces histidine with arginine at codon 124 of the DSC2 protein. Computational prediction suggests that this variant may not impact protein structure and function (internally defined REVEL score threshold <= 0.5, PMID: 27666373). Splice site prediction tools suggest that this variant may not impact RNA splicing. To our knowledge, functional studies have not been performed for this variant. This variant has not been reported in individuals affected with cardiovascular disorders in the literature. This variant has not been identified in the general population by the Genome Aggregation Database (gnomAD). The available evidence is insufficient to determine the role of this variant in disease conclusively. Therefore, this variant is classified as a Variant of Uncertain Significance.

Ambry Genetics
Classification: Uncertain significance for Cardiovascular phenotype. Last evaluated: 2024-02-18. Review status: criteria provided, single submitter. Criteria: Ambry Variant Classification Scheme 2023. Collection method: clinical testing. Allele origin: germline.
Comment: The p.H124R variant (also known as c.371A>G), located in coding exon 4 of the DSC2 gene, results from an A to G substitution at nucleotide position 371. The histidine at codon 124 is replaced by arginine, an amino acid with highly similar properties. This amino acid position is conserved. In addition, this alteration is predicted to be tolerated by in silico analysis. Based on the available evidence, the clinical significance of this alteration remains unclear.

GeneDx
Classification: Likely benign. Last evaluated: 2014-11-10. Review status: criteria provided, single submitter. Criteria: GeneDx Variant Classification (06012015). Collection method: clinical testing. Allele origin: germline. Affected: yes.
Comment: This variant is considered likely benign or benign based on one or more of the following criteria: it is a conservative change, it occurs at a poorly conserved position in the protein, it is predicted to be benign by multiple in silico algorithms, and/or has population frequency not consistent with disease.

NM_024422.6(DSC2):c.371A>G (p.His124Arg)

Gene: DSC2 (desmocollin 2; minus strand). Cytogenetic location: 18q12.1.
Variant type: single nucleotide variant.
Coding change: c.371A>G on transcript NM_024422.6 (MANE Select); coding-DNA position 371, A replaced by G.
Protein change: p.His124Arg; replaces histidine 124 with arginine.
Molecular consequence: missense variant.
Genome position (GRCh38, 1-based): chr18:31,091,131, T>C on the plus strand (A>G on the coding strand, the complement: DSC2 is on the minus strand). VCF-style: chr18-31091131-T-C. GRCh37 (hg19) VCF-style: chr18-28671094-T-C.
Other names: p.H124R:CAT>CGT; c.371A>G, p.His124Arg (NM_004949.5); short protein forms H124R.
Identifiers: ClinVar variation 199754 (VCV000199754.24), dbSNP rs794728061, ClinGen allele CA022826.